The following is an entry in ClinVar:

ClinVar aggregate classification (germline): Benign. Review status: criteria provided, multiple submitters, no conflicts (2 of 4 stars). 2 submissions from 2 submitters: Benign (2). Last evaluated 2018-11-11.

Allele frequency attached by ClinVar (database versions not stated): gnomAD 0.57438 and 0.58471; TOPMed 0.58494; gnomAD exomes 0.61356; 1000 Genomes Project 30x 0.64397; 1000 Genomes Project 0.65076.

Submissions (2):

GeneDx
Classification: Benign. Last evaluated: 2018-11-11. Review status: criteria provided, single submitter. Criteria: GeneDx Variant Classification Process June 2021. Collection method: clinical testing. Allele origin: germline. Affected: yes.
Comment: This variant is associated with the following publications: (PMID: 23060569)

Breakthrough Genomics
Classification: Benign. Review status: criteria provided, single submitter. Criteria: ACMG Guidelines, 2015. Collection method: not provided. Allele origin: germline. Inheritance: Autosomal recessive inheritance. Affected: yes.

NC_000012.12:g.56080024T>C

Gene: ERBB3 (erb-b2 receptor tyrosine kinase 3; plus strand). Cytogenetic location: 12q13.2.
Variant type: single nucleotide variant.
Genome position: GRCh38 VCF-style: chr12-56080024-T-C. GRCh37 (hg19) VCF-style: chr12-56473808-T-C.
Identifiers: ClinVar variation 1292949 (VCV001292949.4), dbSNP rs7297175, ClinGen allele CA13590106.